The following is an entry in ClinVar:

ClinVar aggregate classification (germline): Uncertain significance (1 of 4 stars; one submission).

Allele frequency attached by ClinVar (database versions not stated): gnomAD 0.00001 and 0.00002.
gnomAD v4.1: 23 of 1,612,992 alleles (0.0014%); highest among the groups gnomAD compares: Middle Eastern, 0.033%; no homozygotes.

Submission:

GeneDx
Classification: Uncertain significance. Last evaluated: 2019-08-07. Review status: criteria provided, single submitter. Criteria: GeneDx Variant Classification Process June 2021. Collection method: clinical testing. Allele origin: germline. Affected: yes.
Comment: In silico analysis, which includes protein predictors and evolutionary conservation, supports a deleterious effect; Has not been previously published as pathogenic or benign to our knowledge

NM_020812.4(DOCK6):c.5615G>A (p.Arg1872His)

Gene: DOCK6 (dedicator of cytokinesis 6; minus strand). Cytogenetic location: 19p13.2.
Variant type: single nucleotide variant.
Coding change: c.5615G>A on transcript NM_020812.4 (MANE Select); coding-DNA position 5615, G replaced by A.
Protein change: p.Arg1872His; replaces arginine 1872 with histidine.
Molecular consequence: missense variant.
Genome position (GRCh38, 1-based): chr19:11,201,962, C>T on the plus strand (G>A on the coding strand, the complement: DOCK6 is on the minus strand). VCF-style: chr19-11201962-C-T. GRCh37 (hg19) VCF-style: chr19-11312638-C-T.
Other names: c.5720G>A, p.Arg1907His (NM_001367830.1); short protein forms R1872H, R1907H.
Identifiers: ClinVar variation 1303792 (VCV001303792.2), dbSNP rs756208935, ClinGen allele CA9206406.